The following is an entry in ClinVar:

NM_004415.4(DSP):c.1226T>C (p.Met409Thr)

Gene: DSP (desmoplakin; plus strand). Cytogenetic location: 6p24.3.
Variant type: single nucleotide variant.
Coding change: c.1226T>C on transcript NM_004415.4 (MANE Select); coding-DNA position 1226, T replaced by C.
Protein change: p.Met409Thr; replaces methionine 409 with threonine.
Molecular consequence: missense variant.
Genome position (GRCh38, 1-based): chr6:7,567,866, T>C. VCF-style: chr6-7567866-T-C. GRCh37 (hg19) VCF-style: chr6-7568099-T-C.
Other names: c.1226T>C, p.Met409Thr (NM_001008844.3, NM_001319034.2); short protein forms M409T.
Identifiers: ClinVar variation 928097 (VCV000928097.4), dbSNP rs1758912290, ClinGen allele CA362676180.

ClinVar aggregate classification (germline): Uncertain significance (1 of 4 stars; one submission).

Conditions:
Cardiomyopathy (CMYO). Also called: Cardiomyopathies. Identifiers: Orphanet 167848, MedGen C0878544, MONDO:0004994, HP:0001638. Inheritance: Various modes of inheritance.

Submission:

Color Diagnostics, LLC DBA Color Health
Classification: Uncertain significance for Cardiomyopathy. Last evaluated: 2024-03-06. Review status: criteria provided, single submitter. Criteria: ACMG Guidelines, 2015. Collection method: clinical testing. Allele origin: germline.
Comment: This missense variant replaces methionine with threonine at codon 409 of the DSP protein. Computational prediction suggests that this variant may not impact protein structure and function (internally defined REVEL score threshold <= 0.5, PMID: 27666373). Splice site prediction tools suggest that this variant may not impact RNA splicing. To our knowledge, functional studies have not been performed for this variant. This variant has not been reported in individuals affected with cardiovascular disorders in the literature. This variant has not been identified in the general population by the Genome Aggregation Database (gnomAD). The available evidence is insufficient to determine the role of this variant in disease conclusively. Therefore, this variant is classified as a Variant of Uncertain Significance.